The following is an entry in ClinVar:

NM_005006.7(NDUFS1):c.1346C>T (p.Pro449Leu)

Gene: NDUFS1 (NADH:ubiquinone oxidoreductase core subunit S1; minus strand). Cytogenetic location: 2q33.3.
Variant type: single nucleotide variant.
Coding change: c.1346C>T on transcript NM_005006.7 (MANE Select); coding-DNA position 1346, C replaced by T.
Protein change: p.Pro449Leu; replaces proline 449 with leucine.
Molecular consequence: missense variant.
Genome position (GRCh38, 1-based): chr2:206,138,531, G>A on the plus strand (C>T on the coding strand, the complement: NDUFS1 is on the minus strand). VCF-style: chr2-206138531-G-A. GRCh37 (hg19) VCF-style: chr2-207003255-G-A.
Other names: c.1238C>T, p.Pro413Leu (NM_001199981.2); c.1013C>T, p.Pro338Leu (NM_001199982.2); c.1175C>T, p.Pro392Leu (NM_001199983.2); c.1388C>T, p.Pro463Leu (NM_001199984.2); short protein forms P392L, P338L, P413L, P449L, P463L.
Identifiers: ClinVar variation 1482071 (VCV001482071.6), dbSNP rs781249832, ClinGen allele CA2070485.

ClinVar aggregate classification (germline): Uncertain significance (1 of 4 stars; one submission).

Allele frequency attached by ClinVar (database versions not stated): gnomAD 0.00001; ExAC 0.00002; TOPMed 0.00002; gnomAD exomes 0.00003.
gnomAD v4.1: 8 of 1,613,956 alleles (0.0005%); highest among the groups gnomAD compares: Admixed American, 0.013%; no homozygotes.

Submission:

Labcorp Genetics (formerly Invitae), Labcorp
Classification: Uncertain significance. Last evaluated: 2025-09-02. Review status: criteria provided, single submitter. Criteria: Invitae Variant Classification Sherloc (09022015). Collection method: clinical testing. Allele origin: germline.
Comment: This sequence change replaces proline, which is neutral and non-polar, with leucine, which is neutral and non-polar, at codon 449 of the NDUFS1 protein (p.Pro449Leu). This variant is present in population databases (rs781249832, gnomAD 0.02%). This variant has not been reported in the literature in individuals affected with NDUFS1-related conditions. ClinVar contains an entry for this variant (Variation ID: 1482071). Invitae Evidence Modeling of protein sequence and biophysical properties (such as structural, functional, and spatial information, amino acid conservation, physicochemical variation, residue mobility, and thermodynamic stability) indicates that this missense variant is not expected to disrupt NDUFS1 protein function with a negative predictive value of 95%. In summary, the available evidence is currently insufficient to determine the role of this variant in disease. Therefore, it has been classified as a Variant of Uncertain Significance.